The following is an entry in ClinVar:

NM_001267550.2(TTN):c.58419A>G (p.Gln19473=)

Genes: TTN (titin; minus strand), TTN-AS1 (TTN antisense RNA 1; plus strand). Cytogenetic location: 2q31.2.
Variant type: single nucleotide variant.
Coding change: c.58419A>G on transcript NM_001267550.2 (MANE Select); coding-DNA position 58419, A replaced by G.
Protein change: p.Gln19473=; no amino-acid change (glutamine 19473 retained).
Molecular consequence: synonymous variant.
Genome position (GRCh38, 1-based): chr2:178,593,974, T>C on the plus strand (A>G on the coding strand, the complement: TTN is on the minus strand). VCF-style: chr2-178593974-T-C. GRCh37 (hg19) VCF-style: chr2-179458701-T-C.
Other names: p.Gln16905=; c.31224A>G, p.Gln10408= (NM_003319.4); c.31599A>G, p.Gln10533= (NM_133432.3); c.31800A>G, p.Gln10600= (NM_133437.4); c.53496A>G, p.Gln17832= (NM_001256850.1); c.50715A>G, p.Gln16905= (NM_133378.4).
Identifiers: ClinVar variation 179046 (VCV000179046.76), dbSNP rs186563991, ClinGen allele CA183607.
Genomic context (GRCh38, chr2:178,593,974, plus strand): 5'-CTTTTGAAAGAACAGAAGATCTATTCTTTCCACTAAATAAGACTTACCAACAACATTAAC[T>C]TGACAGAAACCTTTCCTAGAGCCTGTACTGTTCTCCACAACCACACAGTATTTGCCGGAA-3'
Protein context (NP_001254479.2, residues 19463-19483): NSTGSRKGFC[Gln19473=]VNVVDRPGPP

ClinVar aggregate classification (germline): Conflicting classifications of pathogenicity. Review status: criteria provided, conflicting classifications (1 of 4 stars). 17 submissions from 13 submitters: Uncertain significance (3); Benign (8); Likely benign (6). Last evaluated 2026-09-01.

Conditions:
TTN-related disorder. Also called: TTN-related disorders; TTN-related condition; TTN-related disease.
Cardiovascular phenotype. Identifiers: MedGen CN230736.
Autosomal recessive limb-girdle muscular dystrophy type 2J (LGMDR10). Also called: Limb-girdle muscular dystrophy, type 2J; MUSCULAR DYSTROPHY, LIMB-GIRDLE, AUTOSOMAL RECESSIVE 10. Identifiers: Orphanet 140922, MedGen C1837342, MONDO:0012127, OMIM 608807.
Dilated cardiomyopathy 1G (CMD1G). Identifiers: Orphanet 154, MedGen C1858763, MONDO:0011400, OMIM 604145.
Cardiomyopathy (CMYO). Also called: Cardiomyopathies. Identifiers: Orphanet 167848, MedGen C0878544, MONDO:0004994, HP:0001638. Inheritance: Various modes of inheritance.
Myopathy, myofibrillar, 9, with early respiratory failure (MFM9). Also called: Myopathy, distal, with early respiratory failure, autosomal dominant; EDSTROM MYOPATHY; MYOPATHY, PROXIMAL, WITH EARLY RESPIRATORY MUSCLE INVOLVEMENT; Hereditary myopathy with early respiratory failure. Identifiers: Orphanet 178464, Orphanet 34521, MedGen C1863599, MONDO:0011362, OMIM 603689.
Early-onset myopathy with fatal cardiomyopathy (CMYO5). Also called: Salih Myopathy; CONGENITAL MYOPATHY 5 WITH CARDIOMYOPATHY. Identifiers: Orphanet 289377, MedGen C2673677, MONDO:0012714, OMIM 611705. Disease mechanism: loss of function.
Tibial muscular dystrophy (TMD). Also called: Udd Distal Myopathy – Tibial Muscular Dystrophy; UDD MYOPATHY; Tibial muscular dystrophy, tardive. Identifiers: Orphanet 609, MedGen C1838244, MONDO:0010870, OMIM 600334.

Allele frequency attached by ClinVar (database versions not stated): TOPMed 0.00017; 1000 Genomes Project 0.00040; gnomAD exomes 0.00045 and 0.00091; 1000 Genomes Project 30x 0.00047; ExAC 0.00091.
gnomAD v4.1: 713 of 1,613,432 alleles (0.044%); highest among the groups gnomAD compares: South Asian, 0.48%; 4 homozygotes.

Submissions (17):

CeGaT Center for Human Genetics Tuebingen
Classification: Likely benign. Last evaluated: 2026-09-01. Review status: criteria provided, single submitter. Criteria: CeGaT Center For Human Genetics Tuebingen Variant Classification Criteria Version 2. Collection method: clinical testing. Allele origin: germline. Affected: yes. Observed: 19 variant alleles.
Comment: TTN: BP4, BP7

Labcorp Genetics (formerly Invitae), Labcorp
Classification: Benign for Dilated cardiomyopathy 1G; Autosomal recessive limb-girdle muscular dystrophy type 2J. Last evaluated: 2026-02-04. Review status: criteria provided, single submitter. Criteria: Invitae Variant Classification Sherloc (09022015). Collection method: clinical testing. Allele origin: germline.

PreventionGenetics, part of Exact Sciences
Classification: Likely benign for TTN-related condition. Last evaluated: 2025-08-27. Review status: criteria provided, single submitter. Criteria: ACMG Guidelines, 2015. Collection method: clinical testing. Allele origin: germline.
Comment: This variant is classified as likely benign based on ACMG/AMP sequence variant interpretation guidelines (Richards et al. 2015 PMID: 25741868, with internal and published modifications).

Mayo Clinic Laboratories, Mayo Clinic
Classification: Benign. Last evaluated: 2025-03-18. Review status: criteria provided, single submitter. Criteria: ACMG Guidelines, 2015. Collection method: clinical testing. Allele origin: germline. Observed: 3 variant alleles.
Comment: BS1, BS2, BP4, BP7

Blueprint Genetics
Classification: Likely benign. Last evaluated: 2024-11-19. Review status: criteria provided, single submitter. Criteria: ACMG Guidelines, 2015. Collection method: clinical testing. Allele origin: germline.

Women's Health and Genetics/Laboratory Corporation of America, LabCorp
Classification: Benign. Last evaluated: 2022-08-22. Review status: criteria provided, single submitter. Criteria: LabCorp Variant Classification Summary - May 2015. Collection method: clinical testing. Allele origin: germline.

ARUP Laboratories, Molecular Genetics and Genomics, ARUP Laboratories
Classification: Likely benign. Last evaluated: 2020-12-26. Review status: criteria provided, single submitter. Criteria: ARUP Molecular Germline Variant Investigation Process 2021. Collection method: clinical testing. Allele origin: germline.

CHEO Genetics Diagnostic Laboratory, Children's Hospital of Eastern Ontario
Classification: Benign for Cardiomyopathy. Last evaluated: 2019-09-09. Review status: criteria provided, single submitter. Criteria: ACMG Guidelines, 2015. Collection method: clinical testing. Allele origin: germline.

Illumina Laboratory Services, Illumina
Classification: Benign for Tibial muscular dystrophy. Last evaluated: 2018-01-12. Review status: criteria provided, single submitter. Criteria: ICSL Variant Classification Criteria 13 December 2019. Collection method: clinical testing. Allele origin: germline.
Comment: This variant was observed in the ICSL laboratory as part of a predisposition screen in an ostensibly healthy population. It had not been previously curated by ICSL or reported in the Human Gene Mutation Database (HGMD: prior to June 1st, 2018), and was therefore a candidate for classification through an automated scoring system. Utilizing variant allele frequency, disease prevalence and penetrance estimates, and inheritance mode, an automated score was calculated to assess if this variant is too frequent to cause the disease. Based on the score and internal cut-off values, a variant classified as benign is not then subjected to further curation. The score for this variant resulted in a classification of benign for this disease.

Illumina Laboratory Services, Illumina
Classification: Uncertain significance for Early-onset myopathy with fatal cardiomyopathy. Last evaluated: 2018-01-12. Review status: criteria provided, single submitter. Criteria: ICSL Variant Classification Criteria 13 December 2019. Collection method: clinical testing. Allele origin: germline.

Illumina Laboratory Services, Illumina
Classification: Benign for Myopathy, myofibrillar, 9, with early respiratory failure. Last evaluated: 2018-01-12. Review status: criteria provided, single submitter. Criteria: ICSL Variant Classification Criteria 13 December 2019. Collection method: clinical testing. Allele origin: germline.
Comment: the same text as in the submission from Illumina Laboratory Services, Illumina above.

Illumina Laboratory Services, Illumina
Classification: Uncertain significance for Autosomal recessive limb-girdle muscular dystrophy type 2J. Last evaluated: 2018-01-12. Review status: criteria provided, single submitter. Criteria: ICSL Variant Classification Criteria 13 December 2019. Collection method: clinical testing. Allele origin: germline.

Illumina Laboratory Services, Illumina
Classification: Uncertain significance for Dilated cardiomyopathy 1G. Last evaluated: 2018-01-12. Review status: criteria provided, single submitter. Criteria: ICSL Variant Classification Criteria 13 December 2019. Collection method: clinical testing. Allele origin: germline.

GeneDx
Classification: Benign. Last evaluated: 2016-09-01. Review status: criteria provided, single submitter. Criteria: GeneDx Variant Classification (06012015). Collection method: clinical testing. Allele origin: germline. Affected: yes.
Comment: This variant is considered likely benign or benign based on one or more of the following criteria: it is a conservative change, it occurs at a poorly conserved position in the protein, it is predicted to be benign by multiple in silico algorithms, and/or has population frequency not consistent with disease.

Eurofins Ntd Llc (ga)
Classification: Likely benign. Last evaluated: 2015-07-02. Review status: criteria provided, single submitter. Criteria: EGL Classification Definitions 2015. Collection method: clinical testing. Allele origin: germline. Observed: 1 variant allele, 1 heterozygote.

Laboratory for Molecular Medicine, Mass General Brigham Personalized Medicine
Classification: Benign. Last evaluated: 2015-04-09. Review status: criteria provided, single submitter. Criteria: LMM Criteria. Collection method: clinical testing. Allele origin: germline. Observed: 3 variant alleles.
Comment: p.Gln16905Gln in exon 246 of TTN: This variant is not expected to have clinical significance because it does not alter an amino acid residue, is not located wit hin the splice consensus sequence, and has been identified in 0.5% (84/16510) of South Asian chromosomes by the Exome Aggregation Consortium (ExAC.; dbSNP rs186563991).

Ambry Genetics
Classification: Likely benign for Cardiovascular phenotype. Last evaluated: 2013-10-31. Review status: criteria provided, single submitter. Criteria: Ambry Autosomal Dominant and X-Linked criteria (10/2015). Collection method: clinical testing. Allele origin: germline. Observed: 1 variant allele.